The following is an entry in ClinVar:

ClinVar aggregate classification (germline): Uncertain significance. Review status: criteria provided, multiple submitters, no conflicts (2 of 4 stars). 3 submissions from 3 submitters: Uncertain significance (3). Last evaluated 2023-12-05.

Conditions:
Epilepsy, progressive myoclonic, 1B. Also called: PME. Identifiers: Orphanet 308, MedGen C2676254, MONDO:0012904, OMIM 612437.

Allele frequency attached by ClinVar (database versions not stated): gnomAD exomes 0.00001 and 0.00002; gnomAD 0.00003 and 0.00004; ExAC 0.00004; TOPMed 0.00006.
gnomAD v4.1: 24 of 1,595,720 alleles (0.0015%); highest among the groups gnomAD compares: East Asian, 0.0022%; no homozygotes.

Submissions (3):

Blueprint Genetics
Classification: Uncertain significance. Last evaluated: 2023-12-05. Review status: criteria provided, single submitter. Criteria: ACMG Guidelines, 2015. Collection method: clinical testing. Allele origin: germline.

Labcorp Genetics (formerly Invitae), Labcorp
Classification: Uncertain significance for Epilepsy, progressive myoclonic, 1B. Last evaluated: 2022-07-11. Review status: criteria provided, single submitter. Criteria: Invitae Variant Classification Sherloc (09022015). Collection method: clinical testing. Allele origin: germline.
Comment: This sequence change replaces arginine, which is basic and polar, with glutamine, which is neutral and polar, at codon 335 of the PRICKLE1 protein (p.Arg335Gln). This variant is present in population databases (rs757911190, gnomAD 0.003%). This variant has not been reported in the literature in individuals affected with PRICKLE1-related conditions. ClinVar contains an entry for this variant (Variation ID: 469501). Algorithms developed to predict the effect of missense changes on protein structure and function are either unavailable or do not agree on the potential impact of this missense change (SIFT: "Deleterious"; PolyPhen-2: "Possibly Damaging"; Align-GVGD: "Class C0"). In summary, the available evidence is currently insufficient to determine the role of this variant in disease. Therefore, it has been classified as a Variant of Uncertain Significance.

Ambry Genetics
Classification: Uncertain significance. Last evaluated: 2021-05-03. Review status: criteria provided, single submitter. Criteria: Ambry Variant Classification Scheme 2023. Collection method: clinical testing. Allele origin: germline.

NM_153026.3(PRICKLE1):c.1004G>A (p.Arg335Gln)

Genes: PRICKLE1 (prickle planar cell polarity protein 1; minus strand), LOC126861509 (BRD4-independent group 4 enhancer GRCh37_chr12:42858567-42859766; plus strand). Cytogenetic location: 12q12.
Variant type: single nucleotide variant.
Coding change: c.1004G>A on transcript NM_153026.3 (MANE Select); coding-DNA position 1004, G replaced by A.
Protein change: p.Arg335Gln; replaces arginine 335 with glutamine.
Molecular consequence: missense variant.
Genome position (GRCh38, 1-based): chr12:42,465,030, C>T on the plus strand (G>A on the coding strand, the complement: PRICKLE1 is on the minus strand). VCF-style: chr12-42465030-C-T. GRCh37 (hg19) VCF-style: chr12-42858832-C-T.
Other names: c.1004G>A, p.Arg335Gln (NM_001144881.2, NM_001144882.2, NM_001144883.2); short protein forms R335Q.
Identifiers: ClinVar variation 469501 (VCV000469501.7), dbSNP rs757911190, ClinGen allele CA6519810.
Genomic context (GRCh38, chr12:42,465,030, plus strand): 5'-GCAGGCGATAAGAGGAGAGACTGTCTACACTGATCTGCTGACCGGCTGCTCTTGCCCATT[C>T]GGACACTTCTTCGGGAGTCTCTTGATCGAGCTGACTGAAATGCAGAGTCGGAAGAATCAG-3'
Protein context (NP_694571.2, residues 325-345): ARSRDSRRSV[Arg335Gln]MGKSSRSADQ